The following is an entry in ClinVar:

NM_001128425.2(MUTYH):c.178dup (p.Glu60fs)

Gene: MUTYH (mutY DNA glycosylase; minus strand). Cytogenetic location: 1p34.1.
Variant type: Duplication.
Coding change: c.178dup on transcript NM_001128425.2 (MANE Plus Clinical); coding-DNA position 178, one base duplicated (G; older notation c.178dupG).
Protein change: p.Glu60fs; shifts the reading frame from glutamic acid 60.
Molecular consequence: frameshift variant. On other transcripts: intron variant (10).
Genome position (GRCh38, 1-based): chr1:45,333,583, C duplicated on the plus strand (G on the coding strand, the reverse complement: MUTYH is on the minus strand). VCF-style (leftmost placement, unchanged base first): chr1-45333582-T-TC. GRCh37 (hg19) VCF-style: chr1-45799254-T-TC.
Other names: c.178dupG (NM_001128425.1); c.127dup, p.Glu43fs (NM_001293191.2); c.169dup, p.Glu57Glyfs (NM_001407069.1); c.10dup, p.Glu4Glyfs (NM_001407075.1); c.127dup, p.Glu43Glyfs (NM_001407077.1); c.136dup, p.Glu46Glyfs (NM_001407083.1, NM_001407085.1); c.169dup, p.Glu57fs (NM_012222.3); c.-92-86dup (NM_001350651.2); and 5 more; short protein forms E57fs, E43fs, E60fs.
Identifiers: ClinVar variation 2025765 (VCV002025765.5), dbSNP rs2524289902, ClinGen allele CA2580063282.

ClinVar aggregate classification (germline): Conflicting classifications of pathogenicity. Review status: criteria provided, conflicting classifications (1 of 4 stars). 2 submissions from 2 submitters: Pathogenic (1); Uncertain significance (1). Last evaluated 2024-06-20.

Conditions:
Familial adenomatous polyposis 2. Also called: COLORECTAL ADENOMATOUS POLYPOSIS, AUTOSOMAL RECESSIVE; ADENOMAS, MULTIPLE COLORECTAL, AUTOSOMAL RECESSIVE; Adenomas, multiple colorectal; MYH-associated polyposis; MUTYH-associated polyposis; MUTYH-related attenuated familial adenomatous polyposis. Identifiers: Orphanet 220460, Orphanet 247798, MedGen C3272841, MONDO:0012041, OMIM 608456.
Hereditary cancer-predisposing syndrome. Also called: Neoplastic Syndromes, Hereditary; Tumor predisposition; Hereditary Cancer Syndrome; Hereditary neoplastic syndrome. Identifiers: Orphanet 140162, MedGen C0027672, MeSH D009386, MONDO:0015356.

Submissions (2):

Ambry Genetics
Classification: Uncertain significance for Hereditary cancer-predisposing syndrome. Last evaluated: 2024-06-20. Review status: criteria provided, single submitter. Criteria: Ambry Variant Classification Scheme 2023. Collection method: clinical testing. Allele origin: germline.
Comment: The c.178dupG variant, located in coding exon 3 of the MUTYH gene, results from a duplication of G at nucleotide position 178, causing a translational frameshift with a predicted alternate stop codon (p.E60Gfs*33). However, this region of MUTYH is excluded from other biologically relevant MUTYH transcripts. Based on the available evidence, the clinical significance of this alteration remains unclear.

Labcorp Genetics (formerly Invitae), Labcorp
Classification: Pathogenic for Familial adenomatous polyposis 2. Last evaluated: 2022-08-21. Review status: criteria provided, single submitter. Criteria: Invitae Variant Classification Sherloc (09022015). Collection method: clinical testing. Allele origin: germline.
Comment: This sequence change creates a premature translational stop signal (p.Glu60Glyfs*33) in the MUTYH gene. It is expected to result in an absent or disrupted protein product. Loss-of-function variants in MUTYH are known to be pathogenic (PMID: 18534194, 20663686). This variant is not present in population databases (gnomAD no frequency). This variant has not been reported in the literature in individuals affected with MUTYH-related conditions. RNA analysis performed to evaluate the impact of this premature translational stop signal on mRNA splicing indicates it does not significantly alter splicing (Invitae). For these reasons, this variant has been classified as Pathogenic.

Literature cited by the submitters: PubMed 18534194 (cited by Labcorp Genetics (formerly Invitae), Labcorp); PubMed 20663686 (cited by Labcorp Genetics (formerly Invitae), Labcorp).